The following is an entry in ClinVar:

ClinVar aggregate classification (germline): Uncertain significance (1 of 4 stars; one submission).

Allele frequency attached by ClinVar (database versions not stated): gnomAD 0.00001; gnomAD exomes 0.00001; TOPMed 0.00001; ExAC 0.00003.
gnomAD v4.1: 10 of 1,613,222 alleles (0.00062%); highest among the groups gnomAD compares: Admixed American, 0.017%; no homozygotes.

Submission:

Labcorp Genetics (formerly Invitae), Labcorp
Classification: Uncertain significance. Last evaluated: 2023-12-22. Review status: criteria provided, single submitter. Criteria: Invitae Variant Classification Sherloc (09022015). Collection method: clinical testing. Allele origin: germline.
Comment: This sequence change replaces threonine, which is neutral and polar, with isoleucine, which is neutral and non-polar, at codon 219 of the CLPX protein (p.Thr219Ile). This variant is present in population databases (rs772018299, gnomAD 0.03%). This variant has not been reported in the literature in individuals affected with CLPX-related conditions. Advanced modeling of protein sequence and biophysical properties (such as structural, functional, and spatial information, amino acid conservation, physicochemical variation, residue mobility, and thermodynamic stability) performed at Invitae indicates that this missense variant is not expected to disrupt CLPX protein function with a negative predictive value of 80%. In summary, the available evidence is currently insufficient to determine the role of this variant in disease. Therefore, it has been classified as a Variant of Uncertain Significance.

NM_006660.5(CLPX):c.656C>T (p.Thr219Ile)

Gene: CLPX (caseinolytic mitochondrial matrix peptidase chaperone subunit X; minus strand). Cytogenetic location: 15q22.31.
Variant type: single nucleotide variant.
Coding change: c.656C>T on transcript NM_006660.5 (MANE Select); coding-DNA position 656, C replaced by T.
Protein change: p.Thr219Ile; replaces threonine 219 with isoleucine.
Molecular consequence: missense variant. On other transcripts: non-coding transcript variant (1).
Genome position (GRCh38, 1-based): chr15:65,164,046, G>A on the plus strand (C>T on the coding strand, the complement: CLPX is on the minus strand). VCF-style: chr15-65164046-G-A. GRCh37 (hg19) VCF-style: chr15-65456384-G-A.
Other names: short protein forms T219I.
Identifiers: ClinVar variation 2966891 (VCV002966891.3), dbSNP rs772018299, ClinGen allele CA7614847.